The following is an entry in ClinVar:

ClinVar aggregate classification (germline): Likely pathogenic (0 of 4 stars; one submission).

Conditions:
Angelman syndrome (AS). Also called: HAPPY PUPPET SYNDROME. Identifiers: Orphanet 72, MedGen C0162635, MONDO:0007113, OMIM 105830. Disease mechanism: loss of function. Inheritance: AS is caused by disruption of maternally imprinted UBE3A located within the 15q11.2-q13 Angelman syndrome/Prader-Willi syndrome (AS/PWS) region., imprinting disorder.

Submission:

Solve-RD Consortium
Classification: Likely pathogenic for Angelman syndrome. Last evaluated: 2022-06-01. Review status: no assertion criteria provided. Collection method: provider interpretation. Allele origin: de novo. Affected: yes.
Comment: Variant confirmed as disease-causing by referring clinical team

Variant identified during reanalysis of unsolved cases by the Solve-RD project. The Solve-RD project has received funding from the European Union’s Horizon 2020 research and innovation programme under grant agreement No 779257.

Literature cited by the submitters: PubMed 39825153.

NM_130839.5(UBE3A):c.234A>T (p.Lys78Asn)

Genes: SNHG14 (small nucleolar RNA host gene 14; plus strand), UBE3A (ubiquitin protein ligase E3A; minus strand). Cytogenetic location: 15q11.2.
Variant type: single nucleotide variant.
Coding change: c.234A>T on transcript NM_130839.5 (MANE Select); coding-DNA position 234, A replaced by T.
Protein change: p.Lys78Asn; replaces lysine 78 with asparagine.
Molecular consequence: missense variant. On other transcripts: non-coding transcript variant (1).
Genome position (GRCh38, 1-based): chr15:25,375,592, T>A on the plus strand (A>T on the coding strand, the complement: UBE3A is on the minus strand). VCF-style: chr15-25375592-T-A. GRCh37 (hg19) VCF-style: chr15-25620739-T-A.
Other names: c.243A>T, p.Lys81Asn (NM_000462.5); c.234A>T, p.Lys78Asn (NM_001354505.1, NM_001354538.2, NM_001354545.2 and 1 more transcripts); c.174A>T, p.Lys58Asn (NM_001354506.2, NM_001354507.2, NM_001354508.2 and 18 more transcripts); c.57A>T, p.Lys19Asn (NM_001354546.2); short protein forms K19N, K58N, K78N, K81N.
Identifiers: ClinVar variation 3256777 (VCV003256777.1).